The following is an entry in ClinVar:

ClinVar aggregate classification (germline): Likely benign. Review status: criteria provided, multiple submitters, no conflicts (2 of 4 stars). 6 submissions from 6 submitters: Likely benign (6). Last evaluated 2025-11-27.

Conditions:
Juvenile polyposis syndrome (JPS). Identifiers: Orphanet 2929, MedGen C0345893, MONDO:0017380, OMIM 174900.
Hereditary cancer-predisposing syndrome. Also called: Tumor predisposition; Neoplastic Syndromes, Hereditary; Hereditary Cancer Syndrome; Hereditary neoplastic syndrome. Identifiers: Orphanet 140162, MedGen C0027672, MeSH D009386, MONDO:0015356.

gnomAD v4.1: 5 of 1,613,700 alleles (0.00031%); highest among the groups gnomAD compares: Admixed American, 0.0017%; no homozygotes.

Submissions (6):

Labcorp Genetics (formerly Invitae), Labcorp
Classification: Likely benign for Juvenile polyposis syndrome. Last evaluated: 2025-11-27. Review status: criteria provided, single submitter. Criteria: Invitae Variant Classification Sherloc (09022015). Collection method: clinical testing. Allele origin: germline.

Myriad Genetics, Inc.
Classification: Likely benign for Juvenile polyposis syndrome. Last evaluated: 2024-08-02. Review status: criteria provided, single submitter. Criteria: Myriad Autosomal Dominant, Autosomal Recessive and X-Linked Classification Criteria (2023). Collection method: clinical testing. Allele origin: unknown.
Comment: This variant is considered likely benign. This variant is intronic and is not expected to impact mRNA splicing.

All of Us Research Program, National Institutes of Health
Classification: Likely benign for Juvenile polyposis syndrome. Last evaluated: 2024-07-10. Review status: criteria provided, single submitter. Criteria: ACMG Guidelines, 2015. Collection method: clinical testing. Allele origin: germline. Inheritance: Autosomal dominant inheritance. Observed: 1 variant allele, 1 heterozygote.
Comment: This study involves interpretation of variants in research participants for the purpose of population health screening. Participant phenotype was not available at the time of variant classification. Additional details can be found in publication PMID: 35346344, PMCID: PMC8962531

Quest Diagnostics Nichols Institute San Juan Capistrano
Classification: Likely benign. Last evaluated: 2023-03-03. Review status: criteria provided, single submitter. Criteria: Quest Diagnostics criteria. Collection method: clinical testing. Allele origin: unknown.

Color Diagnostics, LLC DBA Color Health
Classification: Likely benign for Hereditary cancer-predisposing syndrome. Last evaluated: 2019-11-08. Review status: criteria provided, single submitter. Criteria: ACMG Guidelines, 2015. Collection method: clinical testing. Allele origin: germline.

GeneDx
Classification: Likely benign. Last evaluated: 2017-11-28. Review status: criteria provided, single submitter. Criteria: GeneDx Variant Classification (06012015). Collection method: clinical testing. Allele origin: germline. Affected: yes.
Comment: This variant is considered likely benign or benign based on one or more of the following criteria: it is a conservative change, it occurs at a poorly conserved position in the protein, it is predicted to be benign by multiple in silico algorithms, and/or has population frequency not consistent with disease.

NM_004329.3(BMPR1A):c.676-6A>G

Gene: BMPR1A (bone morphogenetic protein receptor type 1A; plus strand). Cytogenetic location: 10q23.2.
Variant type: single nucleotide variant.
Coding change: c.676-6A>G on transcript NM_004329.3 (MANE Select); 6 bases into the intron before coding-DNA position 676, A replaced by G.
Molecular consequence: intron variant.
Genome position (GRCh38, 1-based): chr10:86,917,128, A>G. VCF-style: chr10-86917128-A-G. GRCh37 (hg19) VCF-style: chr10-88676885-A-G.
Identifiers: ClinVar variation 416815 (VCV000416815.17), dbSNP rs186999445, ClinGen allele CA5585587.